The following is an entry in ClinVar:

NM_000257.4(MYH7):c.3740del (p.Lys1247fs)

Gene: MYH7 (myosin heavy chain 7; minus strand). Cytogenetic location: 14q11.2.
Variant type: Deletion.
Coding change: c.3740del on transcript NM_000257.4 (MANE Select); coding-DNA position 3740, one base deleted (A; older notation c.3740delA).
Protein change: p.Lys1247fs; shifts the reading frame from lysine 1247.
Molecular consequence: frameshift variant.
Genome position (GRCh38, 1-based): chr14:23,419,596, T deleted on the plus strand (A on the coding strand, the reverse complement: MYH7 is on the minus strand); the first of 2 consecutive T bases (chr14:23,419,596-23,419,597); deleting either gives the same sequence. VCF-style (leftmost placement, unchanged base first): chr14-23419595-CT-C. GRCh37 (hg19) VCF-style: chr14-23888804-CT-C.
Other names: c.3740delA (NM_000257.4); short protein forms K1247fs.
Identifiers: ClinVar variation 951225 (VCV000951225.17), dbSNP rs1384488225, ClinGen allele CA613317671.

ClinVar aggregate classification (germline): Uncertain significance. Review status: criteria provided, multiple submitters, no conflicts (2 of 4 stars). 5 submissions from 5 submitters: Uncertain significance (5). Last evaluated 2025-12-18.

Conditions:
Hypertrophic cardiomyopathy. Also called: HYPERTROPHIC MYOCARDIOPATHY. Identifiers: Orphanet 217569, MedGen C0007194, MeSH D002312, MONDO:0005045, HP:0001639.
Cardiovascular phenotype. Identifiers: MedGen CN230736.
Cardiomyopathy (CMYO). Also called: Cardiomyopathies. Identifiers: Orphanet 167848, MedGen C0878544, MONDO:0004994, HP:0001638. Inheritance: Various modes of inheritance.

Submissions (5):

Ambry Genetics
Classification: Uncertain significance for Cardiovascular phenotype. Last evaluated: 2025-12-18. Review status: criteria provided, single submitter. Criteria: Ambry Variant Classification Scheme 2023. Collection method: clinical testing. Allele origin: germline.
Comment: The c.3740delA variant, located in coding exon 26 of the MYH7 gene, results from a deletion of one nucleotide at nucleotide position 3740, causing a translational frameshift with a predicted alternate stop codon (p.K1247Rfs*10). This alteration is expected to result in protein truncation or nonsense-mediated mRNA decay. However, loss of function has not been established as a mechanism of disease. Based on the available evidence, the clinical significance of this alteration remains unclear.

Color Diagnostics, LLC DBA Color Health
Classification: Uncertain significance for Cardiomyopathy. Last evaluated: 2024-02-22. Review status: criteria provided, single submitter. Criteria: ACMG Guidelines, 2015. Collection method: clinical testing. Allele origin: germline.
Comment: This variant deletes 1 nucleotide in exon 28 of the MYH7 gene, creating a frameshift and premature translation stop signal. This variant is expected to result in an absent or non-functional protein product. To our knowledge, this variant has not been reported in individuals affected with cardiovascular disorders in the literature. This variant has been identified in 3/251316 chromosomes in the general population by the Genome Aggregation Database (gnomAD). Clinical relevance of loss-of-function MYH7 truncation variants in autosomal dominant cardiovascular disorders is not clearly established. The available evidence is insufficient to determine the role of this variant in disease conclusively. Therefore, this variant is classified as a Variant of Uncertain Significance.

Labcorp Genetics (formerly Invitae), Labcorp
Classification: Uncertain significance for Hypertrophic cardiomyopathy. Last evaluated: 2024-01-21. Review status: criteria provided, single submitter. Criteria: Invitae Variant Classification Sherloc (09022015). Collection method: clinical testing. Allele origin: germline.
Comment: This sequence change creates a premature translational stop signal (p.Lys1247Argfs*10) in the MYH7 gene. It is expected to result in an absent or disrupted protein product. However, the current clinical and genetic evidence is not sufficient to establish whether loss-of-function variants in MYH7 cause disease. This variant is present in population databases (no rsID available, gnomAD 0.003%). This variant has not been reported in the literature in individuals affected with MYH7-related conditions. ClinVar contains an entry for this variant (Variation ID: 951225). In summary, the available evidence is currently insufficient to determine the role of this variant in disease. Therefore, it has been classified as a Variant of Uncertain Significance.

All of Us Research Program, National Institutes of Health
Classification: Uncertain significance for Cardiomyopathy. Last evaluated: 2023-03-04. Review status: criteria provided, single submitter. Criteria: ACMG Guidelines, 2015. Collection method: clinical testing. Allele origin: germline. Inheritance: Autosomal dominant inheritance. Observed: 1 variant allele, 1 heterozygote.
Comment: This study involves interpretation of variants in research participants for the purpose of population health screening. Participant phenotype was not available at the time of variant classification. Additional details can be found in publication PMID: 35346344, PMCID: PMC8962531

CHEO Genetics Diagnostic Laboratory, Children's Hospital of Eastern Ontario
Classification: Uncertain significance for Cardiomyopathy. Last evaluated: 2022-06-14. Review status: criteria provided, single submitter. Criteria: ACMG Guidelines, 2015. Collection method: clinical testing. Allele origin: germline.